The following is an entry in ClinVar:

ClinVar aggregate classification (germline): Benign. Review status: criteria provided, single submitter (1 of 4 stars). 2 submissions from 2 submitters: Benign (1). 1 of the submissions does not count toward it. Last evaluated 2018-06-12.

Conditions:
IL6-related disorder. Also called: IL6-related condition.

Allele frequency attached by ClinVar (database versions not stated): gnomAD exomes 0.00168; ExAC 0.00211; 1000 Genomes Project 0.00579; 1000 Genomes Project 30x 0.00625; gnomAD 0.00731 and 0.00803; TOPMed 0.00781; ESP Exome Variant Server 0.00884.
gnomAD v4.1: 2,102 of 1,613,972 alleles (0.13%); highest among the groups gnomAD compares: African/African-American, 2.4%; 27 homozygotes.

Submissions (2):

Labcorp Genetics (formerly Invitae), Labcorp
Classification: Benign. Last evaluated: 2018-06-12. Review status: criteria provided, single submitter. Criteria: Invitae Variant Classification Sherloc (09022015). Collection method: clinical testing. Allele origin: germline.

PreventionGenetics, part of Exact Sciences
Classification: Benign for IL6-related condition. Last evaluated: 2020-01-29. Review status: no assertion criteria provided. Collection method: clinical testing. Allele origin: germline. Not counted in ClinVar's aggregate classification.
Comment: This variant is classified as benign based on ACMG/AMP sequence variant interpretation guidelines (Richards et al. 2015 PMID: 25741868, with internal and published modifications).

NM_000600.5(IL6):c.91C>A (p.Pro31Thr)

Genes: IL6 (interleukin 6; plus strand), IL6-AS1 (IL6 antisense RNA 1; minus strand), LOC126859963 (BRD4-independent group 4 enhancer GRCh37_chr7:22766269-22767468; plus strand). Cytogenetic location: 7p15.3.
Variant type: single nucleotide variant.
Coding change: c.91C>A on transcript NM_000600.5 (MANE Select); coding-DNA position 91, C replaced by A.
Protein change: p.Pro31Thr; replaces proline 31 with threonine.
Molecular consequence: missense variant. On other transcripts: intron variant (1).
Genome position (GRCh38, 1-based): chr7:22,727,515, C>A. VCF-style: chr7-22727515-C-A. GRCh37 (hg19) VCF-style: chr7-22767134-C-A.
Other names: c.22C>A, p.Pro8Thr (NM_001371096.1); c.-19+234C>A (NM_001318095.2); short protein forms P31T, P8T.
Identifiers: ClinVar variation 709119 (VCV000709119.5), dbSNP rs142759801, ClinGen allele CA4185309.